The following is an entry in ClinVar:

ClinVar aggregate classification (germline): Uncertain significance. Review status: criteria provided, multiple submitters, no conflicts (2 of 4 stars). 2 submissions from 2 submitters: Uncertain significance (2). Last evaluated 2024-06-10.

Conditions:
ALG9 congenital disorder of glycosylation (CDG1L). Also called: CDG Il; CONGENITAL DISORDER OF GLYCOSYLATION, TYPE Il; ALG9-CDG. Identifiers: Orphanet 79328, MedGen C2931006, MONDO:0012117, OMIM 608776.
Gillessen-Kaesbach-Nishimura syndrome (GIKANIS). Identifiers: MedGen C1849762, MONDO:0009890, OMIM 263210.

Allele frequency attached by ClinVar (database versions not stated): gnomAD 0.00001; gnomAD exomes 0.00001; TOPMed 0.00001; ExAC 0.00002.
gnomAD v4.1: 19 of 1,613,048 alleles (0.0012%); highest among the groups gnomAD compares: Non-Finnish European, 0.0014%; no homozygotes.

Submissions (2):

Fulgent Genetics
Classification: Uncertain significance for Gillessen-Kaesbach-Nishimura syndrome; ALG9 congenital disorder of glycosylation. Last evaluated: 2024-06-10. Review status: criteria provided, single submitter. Criteria: ACMG Guidelines, 2015. Collection method: clinical testing. Allele origin: germline.

Labcorp Genetics (formerly Invitae), Labcorp
Classification: Uncertain significance for ALG9 congenital disorder of glycosylation. Last evaluated: 2022-05-27. Review status: criteria provided, single submitter. Criteria: Invitae Variant Classification Sherloc (09022015). Collection method: clinical testing. Allele origin: germline.
Comment: Experimental studies and prediction algorithms are not available or were not evaluated, and the functional significance of this variant is currently unknown. In summary, the available evidence is currently insufficient to determine the role of this variant in disease. Therefore, it has been classified as a Variant of Uncertain Significance. This variant has not been reported in the literature in individuals affected with ALG9-related conditions. This sequence change replaces aspartic acid, which is acidic and polar, with glutamic acid, which is acidic and polar, at codon 296 of the ALG9 protein (p.Asp296Glu). This variant is present in population databases (rs782419749, gnomAD 0.002%).

NM_024740.2(ALG9):c.888T>G (p.Asp296Glu)

Gene: ALG9 (ALG9 alpha-1,2-mannosyltransferase; minus strand). Cytogenetic location: 11q23.1.
Variant type: single nucleotide variant.
Coding change: c.888T>G on transcript NM_024740.2 (MANE Select); coding-DNA position 888, T replaced by G.
Protein change: p.Asp296Glu; replaces aspartic acid 296 with glutamic acid.
Molecular consequence: missense variant. On other transcripts: non-coding transcript variant (1).
Genome position (GRCh38, 1-based): chr11:111,853,387, A>C on the plus strand (T>G on the coding strand, the complement: ALG9 is on the minus strand). VCF-style: chr11-111853387-A-C. GRCh37 (hg19) VCF-style: chr11-111724110-A-C.
Other names: c.888T>G, p.Asp296Glu (NM_001077690.1, NM_001352417.1, NM_001352418.1); c.375T>G, p.Asp125Glu (NM_001077691.2, NM_001077692.2, NM_001352409.1 and 11 more transcripts); c.300T>G, p.Asp100Glu (NM_001352422.2); short protein forms D296E, D125E, D100E.
Identifiers: ClinVar variation 2170861 (VCV002170861.5), dbSNP rs782419749, ClinGen allele CA6274541.